The following is an entry in ClinVar:

NM_201253.3(CRB1):c.2543del (p.Phe848fs)

Gene: CRB1 (crumbs cell polarity complex component 1; plus strand). Cytogenetic location: 1q31.3.
Variant type: Deletion.
Coding change: c.2543del on transcript NM_201253.3 (MANE Select); coding-DNA position 2543, one base deleted (T; older notation c.2543delT).
Protein change: p.Phe848fs; shifts the reading frame from phenylalanine 848.
Molecular consequence: frameshift variant. On other transcripts: non-coding transcript variant (2), intron variant (1).
Genome position (GRCh38, 1-based): chr1:197,427,868, T deleted; the last of 2 consecutive T bases (chr1:197,427,867-197,427,868); deleting either gives the same sequence. VCF-style (leftmost placement, unchanged base first): chr1-197427866-CT-C. GRCh37 (hg19) VCF-style: chr1-197396996-CT-C.
Other names: c.2207del, p.Phe736fs (NM_001193640.2); c.2128+5912del (NM_001257966.2); c.2336del, p.Phe779fs (NM_001257965.2); short protein forms F736fs, F779fs, F848fs.
Identifiers: ClinVar variation 2951232 (VCV002951232.3), dbSNP rs2528152112, ClinGen allele CA2740090300.

ClinVar aggregate classification (germline): Pathogenic (1 of 4 stars; one submission).

Conditions:
Retinitis pigmentosa 12 (RP12). Also called: RP WITH OR WITHOUT PRESERVED PARAARTERIOLE RETINAL PIGMENT EPITHELIUM; RETINITIS PIGMENTOSA WITH OR WITHOUT PARAARTERIOLAR PRESERVATION OF RETINAL PIGMENT EPITHELIUM; RP WITH OR WITHOUT PPRPE. Identifiers: Orphanet 791, MedGen C1838647, MONDO:0010818, OMIM 600105.
Leber congenital amaurosis 8 (LCA8). Identifiers: Orphanet 65, MedGen C3151202, MONDO:0013453, OMIM 613835.

Submission:

Labcorp Genetics (formerly Invitae), Labcorp
Classification: Pathogenic for Leber congenital amaurosis 8; Retinitis pigmentosa 12. Last evaluated: 2023-08-24. Review status: criteria provided, single submitter. Criteria: Invitae Variant Classification Sherloc (09022015). Collection method: clinical testing. Allele origin: germline.
Comment: This sequence change creates a premature translational stop signal (p.Phe848Serfs*8) in the CRB1 gene. It is expected to result in an absent or disrupted protein product. Loss-of-function variants in CRB1 are known to be pathogenic (PMID: 10508521, 22065545, 23379534, 25412400, 26957898, 28041643, 29391521). For these reasons, this variant has been classified as Pathogenic. This variant has not been reported in the literature in individuals affected with CRB1-related conditions. This variant is not present in population databases (gnomAD no frequency).

Literature cited by the submitters: PubMed 10508521; PubMed 22065545; PubMed 23379534; PubMed 25412400; PubMed 26957898; PubMed 28041643; PubMed 29391521.